The following is an entry in ClinVar:

NM_001371928.1(AHDC1):c.2119_2143del (p.Val707fs)

Gene: AHDC1 (AT-hook DNA binding motif containing 1; minus strand). Cytogenetic location: 1p36.11.
Variant type: Deletion.
Coding change: c.2119_2143del on transcript NM_001371928.1 (MANE Select); coding-DNA positions 2119 to 2143, 25 bases deleted (GTGGCAGCCGCTGGGGTCGGGGGCC).
Protein change: p.Val707fs; shifts the reading frame from valine 707.
Molecular consequence: frameshift variant.
Genome position (GRCh38, 1-based): chr1:27,549,973-27,549,997, GGCCCCCGACCCCAGCGGCTGCCAC deleted on the plus strand (GTGGCAGCCGCTGGGGTCGGGGGCC on the coding strand, the reverse complement: AHDC1 is on the minus strand); deleting any 25 consecutive bases within chr1:27,549,973-27,550,001 gives the same sequence; the c. name uses the placement nearest the transcript's 3' end. VCF-style (leftmost placement, unchanged base first): chr1-27549972-GGGCCCCCGACCCCAGCGGCTGCCAC-G. GRCh37 (hg19) VCF-style: chr1-27876483-GGGCCCCCGACCCCAGCGGCTGCCAC-G.
Other names: c.2119_2143del, p.Val707fs (NM_001029882.3); c.2119_2143del25 (NM_001029882.3); short protein forms V707fs.
Identifiers: ClinVar variation 3349705 (VCV003349705.1).

ClinVar aggregate classification (germline): Likely pathogenic (0 of 4 stars; one submission).

Conditions:
AHDC1-related disorder. Also called: AHDC1-related condition.

Submission:

PreventionGenetics, part of Exact Sciences
Classification: Likely pathogenic for AHDC1-related condition. Last evaluated: 2024-03-25. Review status: no assertion criteria provided. Collection method: clinical testing. Allele origin: germline.
Comment: The AHDC1 c.2119_2143del25 variant is predicted to result in a frameshift and premature protein termination (p.Val707Argfs*17). To our knowledge, this variant has not been reported in the literature or in a large population database, indicating this variant is rare. Frameshift variants in AHDC1 are expected to be pathogenic. This variant is interpreted as likely pathogenic.